The following is an entry in ClinVar:

ClinVar aggregate classification (germline): Uncertain significance (1 of 4 stars; one submission).

Conditions:
Ehlers-Danlos syndrome, classic type, 1 (EDSCL1). Also called: EHLERS-DANLOS SYNDROME, GRAVIS TYPE; EHLERS-DANLOS SYNDROME, SEVERE CLASSIC TYPE; Ehlers-Danlos syndrome, type 1; Ehlers-Danlos Syndrome, Classic Type, COL5A1-Related; EDS I. Identifiers: MedGen C0268335, MONDO:0019567, OMIM 130000.
Osteogenesis imperfecta type I (OI1). Also called: OI, TYPE I; OSTEOGENESIS IMPERFECTA TARDA; OSTEOGENESIS IMPERFECTA WITH BLUE SCLERAE; Osteogenesis imperfecta type 1; Lobstein's Disease; Lobstein disease. Identifiers: Orphanet 216796, Orphanet 666, MedGen C0023931, MONDO:0008146, OMIM 166200. Disease mechanism: loss of function.

Submission:

Labcorp Genetics (formerly Invitae), Labcorp
Classification: Uncertain significance for Osteogenesis imperfecta type I; Ehlers-Danlos syndrome, classic type, 1. Last evaluated: 2024-12-16. Review status: criteria provided, single submitter. Criteria: Invitae Variant Classification Sherloc (09022015). Collection method: clinical testing. Allele origin: germline.
Comment: This sequence change falls in intron 32 of the COL1A2 gene. It does not directly change the encoded amino acid sequence of the COL1A2 protein. This variant is not present in population databases (gnomAD no frequency). This variant has been observed in individual(s) with Osteogenesis imperfecta (internal data). Algorithms developed to predict the effect of sequence changes on RNA splicing suggest that this variant may disrupt the consensus splice site. In summary, the available evidence is currently insufficient to determine the role of this variant in disease. Therefore, it has been classified as a Variant of Uncertain Significance.

NM_000089.4(COL1A2):c.1972-5T>G

Gene: COL1A2 (collagen type I alpha 2 chain; plus strand). Cytogenetic location: 7q21.3.
Variant type: single nucleotide variant.
Coding change: c.1972-5T>G on transcript NM_000089.4 (MANE Select); 5 bases into the intron before coding-DNA position 1972, T replaced by G.
Molecular consequence: intron variant.
Genome position (GRCh38, 1-based): chr7:94,418,494, T>G. VCF-style: chr7-94418494-T-G. GRCh37 (hg19) VCF-style: chr7-94047806-T-G.
Identifiers: ClinVar variation 3759549 (VCV003759549.2).